The following is an entry in ClinVar:

NM_001378457.1(DMXL2):c.6077A>G (p.Glu2026Gly)

Gene: DMXL2 (Dmx like 2; minus strand). Cytogenetic location: 15q21.2.
Variant type: single nucleotide variant.
Coding change: c.6077A>G on transcript NM_001378457.1 (MANE Select); coding-DNA position 6077, A replaced by G.
Protein change: p.Glu2026Gly; replaces glutamic acid 2026 with glycine.
Molecular consequence: missense variant. On other transcripts: non-coding transcript variant (2).
Genome position (GRCh38, 1-based): chr15:51,481,029, T>C on the plus strand (A>G on the coding strand, the complement: DMXL2 is on the minus strand). VCF-style: chr15-51481029-T-C. GRCh37 (hg19) VCF-style: chr15-51773226-T-C.
Other names: c.6077A>G, p.Glu2026Gly (NM_001174116.3, NM_001378458.1, NM_001378459.1 and 4 more transcripts); c.4169A>G, p.Glu1390Gly (NM_001174117.3); c.4058A>G, p.Glu1353Gly (NM_001378460.1); c.5837A>G, p.Glu1946Gly (NM_001378464.1); short protein forms E2026G, E1353G, E1390G, E1946G.
Identifiers: ClinVar variation 2010356 (VCV002010356.4), dbSNP rs2548447402, ClinGen allele CA392444418.

ClinVar aggregate classification (germline): Uncertain significance (1 of 4 stars; one submission).

Submission:

Labcorp Genetics (formerly Invitae), Labcorp
Classification: Uncertain significance. Last evaluated: 2024-02-24. Review status: criteria provided, single submitter. Criteria: Invitae Variant Classification Sherloc (09022015). Collection method: clinical testing. Allele origin: germline.
Comment: This sequence change replaces glutamic acid, which is acidic and polar, with glycine, which is neutral and non-polar, at codon 2026 of the DMXL2 protein (p.Glu2026Gly). This variant is not present in population databases (gnomAD no frequency). This variant has not been reported in the literature in individuals affected with DMXL2-related conditions. ClinVar contains an entry for this variant (Variation ID: 2010356). An algorithm developed to predict the effect of missense changes on protein structure and function (PolyPhen-2) suggests that this variant is likely to be disruptive. In summary, the available evidence is currently insufficient to determine the role of this variant in disease. Therefore, it has been classified as a Variant of Uncertain Significance.